The following is an entry in ClinVar:

ClinVar aggregate classification (germline): Uncertain significance. Review status: criteria provided, multiple submitters, no conflicts (2 of 4 stars). 3 submissions from 3 submitters: Uncertain significance (3). Last evaluated 2026-06-24.

Conditions:
Peroxisome biogenesis disorder, complementation group K (CGK). Identifiers: MedGen C1866257, MONDO:0800365.
Inborn genetic diseases. Identifiers: MedGen C0950123, MeSH D030342.
PEX14-related disorder. Also called: PEX14-related condition.

Allele frequency attached by ClinVar (database versions not stated): gnomAD 0.00003 and 0.00004.
gnomAD v4.1: 62 of 1,608,946 alleles (0.0039%); highest among the groups gnomAD compares: Non-Finnish European, 0.0047%; no homozygotes.

Submissions (3):

PreventionGenetics, part of Exact Sciences
Classification: Uncertain significance for PEX14-related condition. Last evaluated: 2026-06-24. Review status: criteria provided, single submitter. Criteria: ACMG Guidelines, 2015. Collection method: clinical testing. Allele origin: germline.
Comment: The PEX14 c.1126C>T variant is predicted to result in the amino acid substitution p.Arg376Trp. To our knowledge, this variant has not been reported in the literature. This variant is reported in 0.0050% of alleles in individuals of European (Finnish) descent in gnomAD. At this time, the clinical significance of this variant is uncertain due to the absence of conclusive functional and genetic evidence.

Labcorp Genetics (formerly Invitae), Labcorp
Classification: Uncertain significance for Peroxisome biogenesis disorder, complementation group K. Last evaluated: 2022-10-13. Review status: criteria provided, single submitter. Criteria: Invitae Variant Classification Sherloc (09022015). Collection method: clinical testing. Allele origin: germline.
Comment: This sequence change replaces arginine, which is basic and polar, with tryptophan, which is neutral and slightly polar, at codon 376 of the PEX14 protein (p.Arg376Trp). This variant is present in population databases (rs765354583, gnomAD 0.005%). This variant has not been reported in the literature in individuals affected with PEX14-related conditions. ClinVar contains an entry for this variant (Variation ID: 1416241). Algorithms developed to predict the effect of missense changes on protein structure and function are either unavailable or do not agree on the potential impact of this missense change (SIFT: "Tolerated"; PolyPhen-2: "Possibly Damaging"; Align-GVGD: "Class C0"). In summary, the available evidence is currently insufficient to determine the role of this variant in disease. Therefore, it has been classified as a Variant of Uncertain Significance.

Ambry Genetics
Classification: Uncertain significance for Inborn genetic diseases. Last evaluated: 2022-08-08. Review status: criteria provided, single submitter. Criteria: Ambry Variant Classification Scheme 2023. Collection method: clinical testing. Allele origin: germline.

NM_004565.3(PEX14):c.1126C>T (p.Arg376Trp)

Gene: PEX14 (peroxisomal biogenesis factor 14; plus strand). Cytogenetic location: 1p36.22.
Variant type: single nucleotide variant.
Coding change: c.1126C>T on transcript NM_004565.3 (MANE Select); coding-DNA position 1126, C replaced by T.
Protein change: p.Arg376Trp; replaces arginine 376 with tryptophan.
Molecular consequence: missense variant.
Genome position (GRCh38, 1-based): chr1:10,629,979, C>T. VCF-style: chr1-10629979-C-T. GRCh37 (hg19) VCF-style: chr1-10690036-C-T.
Other names: c.1126C>T (NM_004565.2); short protein forms R376W.
Identifiers: ClinVar variation 1416241 (VCV001416241.5), dbSNP rs765354583, ClinGen allele CA584038.